The following is an entry in ClinVar:

NM_152641.4(ARID2):c.5165G>A (p.Gly1722Asp)

Gene: ARID2 (AT-rich interaction domain 2; plus strand). Cytogenetic location: 12q12.
Variant type: single nucleotide variant.
Coding change: c.5165G>A on transcript NM_152641.4 (MANE Select); coding-DNA position 5165, G replaced by A.
Protein change: p.Gly1722Asp; replaces glycine 1722 with aspartic acid.
Molecular consequence: missense variant.
Genome position (GRCh38, 1-based): chr12:45,893,437, G>A. VCF-style: chr12-45893437-G-A. GRCh37 (hg19) VCF-style: chr12-46287220-G-A.
Other names: c.5165G>A, p.Gly1722Asp (NM_001347839.2); short protein forms G1722D.
Identifiers: ClinVar variation 4584966 (VCV004584966.3).

ClinVar aggregate classification (germline): Likely benign. Review status: criteria provided, multiple submitters, no conflicts (2 of 4 stars). 2 submissions from 2 submitters: Likely benign (2). Last evaluated 2026-04-01.

Conditions:
Inborn genetic diseases. Identifiers: MedGen C0950123, MeSH D030342.

gnomAD v4.1: 16 of 1,613,186 alleles (0.00099%); highest among the groups gnomAD compares: Admixed American, 0.023%; no homozygotes.

Submissions (2):

CeGaT Center for Human Genetics Tuebingen
Classification: Likely benign. Last evaluated: 2026-04-01. Review status: criteria provided, single submitter. Criteria: CeGaT Center For Human Genetics Tuebingen Variant Classification Criteria Version 2. Collection method: clinical testing. Allele origin: germline. Affected: yes. Observed: 1 variant allele.
Comment: ARID2: BP4

Ambry Genetics
Classification: Likely benign for Inborn genetic diseases. Last evaluated: 2025-11-26. Review status: criteria provided, single submitter. Criteria: Ambry Variant Classification Scheme 2023. Collection method: clinical testing. Allele origin: germline.